The following is an entry in ClinVar:

ClinVar aggregate classification (germline): Uncertain significance (1 of 4 stars; one submission).

Conditions:
Primary pulmonary hypertension. Also called: Idiopathic pulmonary hypertension. Identifiers: MedGen C0152171.

Submission:

Labcorp Genetics (formerly Invitae), Labcorp
Classification: Uncertain significance for Primary pulmonary hypertension. Last evaluated: 2024-12-10. Review status: criteria provided, single submitter. Criteria: Invitae Variant Classification Sherloc (09022015). Collection method: clinical testing. Allele origin: germline.
Comment: This sequence change falls in intron 7 of the BMPR2 gene. It does not directly change the encoded amino acid sequence of the BMPR2 protein. It affects a nucleotide within the consensus splice site. This variant is not present in population databases (gnomAD no frequency). This variant has been observed in individuals with pulmonary arterial hypertension (PMID: 27613157; internal data). Variants that disrupt the consensus splice site are a relatively common cause of aberrant splicing (PMID: 17576681, 9536098). Algorithms developed to predict the effect of sequence changes on RNA splicing suggest that this variant may disrupt the consensus splice site. In summary, the available evidence is currently insufficient to determine the role of this variant in disease. Therefore, it has been classified as a Variant of Uncertain Significance.

Literature cited by the submitters: PubMed 27613157; PubMed 17576681; PubMed 9536098.

NM_001204.7(BMPR2):c.967+5G>A

Gene: BMPR2 (bone morphogenetic protein receptor type 2; plus strand). Cytogenetic location: 2q33.2.
Variant type: single nucleotide variant.
Coding change: c.967+5G>A on transcript NM_001204.7 (MANE Select); 5 bases into the intron after coding-DNA position 967, G replaced by A.
Molecular consequence: intron variant.
Genome position (GRCh38, 1-based): chr2:202,520,206, G>A. VCF-style: chr2-202520206-G-A. GRCh37 (hg19) VCF-style: chr2-203384929-G-A.
Identifiers: ClinVar variation 3720396 (VCV003720396.2).